The following is an entry in ClinVar:

NM_014009.4(FOXP3):c.-23+4A>G

Gene: FOXP3 (forkhead box P3; minus strand). Cytogenetic location: Xp11.23.
Variant type: single nucleotide variant.
Coding change: c.-23+4A>G on transcript NM_014009.4 (MANE Select); 4 bases into the intron after 23 bases upstream of the start codon, A replaced by G.
Molecular consequence: intron variant.
Genome position (GRCh38, 1-based): chrX:49,264,657, T>C on the plus strand (A>G on the coding strand, the complement: FOXP3 is on the minus strand). VCF-style: chrX-49264657-T-C. GRCh37 (hg19) VCF-style: chrX-49121119-T-C.
Other names: c.-23+4A>G (NM_001114377.2).
Identifiers: ClinVar variation 1521914 (VCV001521914.8), dbSNP rs1216773491, ClinGen allele CA875964401.
Genomic context (GRCh38, chrX:49,264,657, plus strand): 5'-CCTACCTCCCTGCCATCTCCTCCAATGGGGCCCACATCTGGTAGGGGAGAGCAGGGACAC[T>C]CACCTTGGTGAAGTGGACTGACAGAAAAGGATCAGCCTGGCTTGTGGGAAACTGTCACGT-3'

ClinVar aggregate classification (germline): Uncertain significance (1 of 4 stars; one submission).

Conditions:
Insulin-dependent diabetes mellitus secretory diarrhea syndrome (IPEX). Also called: IPEX and IPEX-Like; Immunodeficiency, Polyendocrinopathy, and Enteropathy X-Linked Syndrome; X-Linked Syndrome of Polyendocrinopathy, Immune Dysfunction, and Diarrhea; IMMUNODEFICIENCY, POLYENDOCRINOPATHY, AND ENTEROPATHY, X-LINKED; DIABETES MELLITUS, CONGENITAL INSULIN-DEPENDENT, WITH FATAL SECRETORY DIARRHEA; DIARRHEA, POLYENDOCRINOPATHY, FATAL INFECTION SYNDROME, X-LINKED. Identifiers: Orphanet 37042, MedGen C0342288, MONDO:0010580, OMIM 304790. Disease mechanism: loss of function.

Allele frequency attached by ClinVar (database versions not stated): TOPMed 0.00002.

Submission:

Labcorp Genetics (formerly Invitae), Labcorp
Classification: Uncertain significance for Insulin-dependent diabetes mellitus secretory diarrhea syndrome. Last evaluated: 2022-02-08. Review status: criteria provided, single submitter. Criteria: Invitae Variant Classification Sherloc (09022015). Collection method: clinical testing. Allele origin: germline.
Comment: This variant occurs in a non-coding region of the FOXP3 gene. It does not change the encoded amino acid sequence of the FOXP3 protein. It affects a nucleotide within the consensus splice site. The frequency data for this variant in the population databases is considered unreliable, as metrics indicate insufficient coverage at this position in the gnomAD database. This variant has not been reported in the literature in individuals affected with FOXP3-related conditions. Variants that disrupt the consensus splice site are a relatively common cause of aberrant splicing (PMID: 17576681, 9536098). Algorithms developed to predict the effect of sequence changes on RNA splicing suggest that this variant may disrupt the consensus splice site. In summary, the available evidence is currently insufficient to determine the role of this variant in disease. Therefore, it has been classified as a Variant of Uncertain Significance.

Literature cited by the submitters: PubMed 17576681; PubMed 9536098.